The following is an entry in ClinVar:

ClinVar aggregate classification (germline): Conflicting classifications of pathogenicity. Review status: criteria provided, conflicting classifications (1 of 4 stars). 3 submissions from 3 submitters: Likely pathogenic (1); Uncertain significance (2). Last evaluated 2024-07-16.

Conditions:
Frontotemporal dementia and/or amyotrophic lateral sclerosis 6 (FTDALS6). Also called: VCP-Related Amyotrophic Lateral Sclerosis; VCP-Related Amyotrophic Lateral Sclerosis/Frontotemporal Dementia. Identifiers: Orphanet 275872, Orphanet 803, MedGen C5436279, MONDO:0013501, OMIM 613954.
Inclusion body myopathy with Paget disease of bone and frontotemporal dementia. Also called: Inclusion body myopathy with early-onset Paget disease and frontotemporal dementia. Identifiers: Orphanet 52430, MedGen C1833662, MONDO:0000507.

Submissions (3):

GeneDx
Classification: Uncertain significance. Last evaluated: 2024-07-16. Review status: criteria provided, single submitter. Criteria: GeneDx Variant Classification Process June 2021. Collection method: clinical testing. Allele origin: germline. Affected: yes.
Comment: Not observed at significant frequency in large population cohorts (gnomAD); In silico analysis supports that this missense variant has a deleterious effect on protein structure/function; This variant is associated with the following publications: (PMID: 28692196, 29754758, 31914217)

Mayo Clinic Laboratories, Mayo Clinic
Classification: Likely pathogenic. Last evaluated: 2024-02-01. Review status: criteria provided, single submitter. Criteria: ACMG Guidelines, 2015. Collection method: clinical testing. Allele origin: germline. Observed: 1 variant allele.
Comment: PP2, PP3, PM2_moderate, PS4_moderate

Labcorp Genetics (formerly Invitae), Labcorp
Classification: Uncertain significance for Inclusion body myopathy with Paget disease of bone and frontotemporal dementia; Frontotemporal dementia and/or amyotrophic lateral sclerosis 6. Last evaluated: 2023-10-13. Review status: criteria provided, single submitter. Criteria: Invitae Variant Classification Sherloc (09022015). Collection method: clinical testing. Allele origin: germline.
Comment: This sequence change replaces glycine, which is neutral and non-polar, with alanine, which is neutral and non-polar, at codon 128 of the VCP protein (p.Gly128Ala). This variant is not present in population databases (gnomAD no frequency). This missense change has been observed in individual(s) with clinical features of VCP-related conditions (PMID: 28692196). ClinVar contains an entry for this variant (Variation ID: 432305). Advanced modeling of protein sequence and biophysical properties (such as structural, functional, and spatial information, amino acid conservation, physicochemical variation, residue mobility, and thermodynamic stability) performed at Invitae indicates that this missense variant is not expected to disrupt VCP protein function. This variant disrupts the p.Gly128 amino acid residue in VCP. Other variant(s) that disrupt this residue have been determined to be pathogenic (PMID: 28692196, 29754758, 30103957, 31914217). This suggests that this residue is clinically significant, and that variants that disrupt this residue are likely to be disease-causing. In summary, the available evidence is currently insufficient to determine the role of this variant in disease. Therefore, it has been classified as a Variant of Uncertain Significance.

Literature cited by the submitters: PubMed 28692196 (cited by Mayo Clinic Laboratories, Mayo Clinic and Labcorp Genetics (formerly Invitae), Labcorp); PubMed 29754758 (cited by Mayo Clinic Laboratories, Mayo Clinic and Labcorp Genetics (formerly Invitae), Labcorp); PubMed 31914217 (cited by Mayo Clinic Laboratories, Mayo Clinic and Labcorp Genetics (formerly Invitae), Labcorp); PubMed 30103957 (cited by Labcorp Genetics (formerly Invitae), Labcorp).

NM_007126.5(VCP):c.383G>C (p.Gly128Ala)

Gene: VCP (valosin containing protein; minus strand). Cytogenetic location: 9p13.3.
Variant type: single nucleotide variant.
Coding change: c.383G>C on transcript NM_007126.5 (MANE Select); coding-DNA position 383, G replaced by C.
Protein change: p.Gly128Ala; replaces glycine 128 with alanine.
Molecular consequence: missense variant.
Genome position (GRCh38, 1-based): chr9:35,066,737, C>G on the plus strand (G>C on the coding strand, the complement: VCP is on the minus strand). VCF-style: chr9-35066737-C-G. GRCh37 (hg19) VCF-style: chr9-35066734-C-G.
Other names: p.Gly128Ala; c.248G>C, p.Gly83Ala (NM_001354927.2, NM_001354928.2); short protein forms G128A, G83A.
Identifiers: ClinVar variation 432305 (VCV000432305.7), dbSNP rs1554668979, ClinGen allele CA373291969.